The following is an entry in ClinVar:

ClinVar aggregate classification (germline): Conflicting classifications of pathogenicity. Review status: criteria provided, conflicting classifications (1 of 4 stars). 6 submissions from 6 submitters: Uncertain significance (3); Likely benign (3). Last evaluated 2026-08-07.

Conditions:
Cardiovascular phenotype. Identifiers: MedGen CN230736.
TECRL-related disorder. Also called: TECRL-related condition.
Catecholaminergic polymorphic ventricular tachycardia 3. Identifiers: Orphanet 3286, MedGen C3151463, MONDO:0013529, OMIM 614021.

Allele frequency attached by ClinVar (database versions not stated): gnomAD exomes 0.00053 and 0.00051; TOPMed 0.00070; 1000 Genomes Project 30x 0.00078; 1000 Genomes Project 0.00080; ESP Exome Variant Server 0.00031; ExAC 0.00045; gnomAD 0.00048 and 0.00049.
gnomAD v4.1: 851 of 1,613,636 alleles (0.053%); highest among the groups gnomAD compares: Admixed American, 0.16%; 1 homozygote.

Submissions (6):

PreventionGenetics, part of Exact Sciences
Classification: Likely benign for TECRL-related condition. Last evaluated: 2026-08-07. Review status: criteria provided, single submitter. Criteria: ACMG Guidelines, 2015. Collection method: clinical testing. Allele origin: germline.
Comment: This variant is classified as likely benign based on ACMG/AMP sequence variant interpretation guidelines (Richards et al. 2015 PMID: 25741868, with internal and published modifications).

Women's Health and Genetics/Laboratory Corporation of America, LabCorp
Classification: Uncertain significance. Last evaluated: 2025-12-22. Review status: criteria provided, single submitter. Criteria: LabCorp Variant Classification Summary - May 2015. Collection method: clinical testing. Allele origin: germline.

Molecular Diagnostic Laboratory for Inherited Cardiovascular Disease, Montreal Heart Institute
Classification: Uncertain significance for Cardiovascular phenotype. Last evaluated: 2025-04-09. Review status: criteria provided, single submitter. Criteria: ACMG Guidelines, 2015. Collection method: clinical testing. Allele origin: germline. Affected: yes.

ARUP Laboratories, Molecular Genetics and Genomics, ARUP Laboratories
Classification: Uncertain significance for Catecholaminergic polymorphic ventricular tachycardia 3. Last evaluated: 2025-02-07. Review status: criteria provided, single submitter. Criteria: ARUP Molecular Germline Variant Investigation Process 2024. Collection method: clinical testing. Allele origin: germline.
Comment: The TECRL c.33A>T; p.Glu11Asp variant (rs148442292), to our knowledge, is not reported in the medical literature but is reported in ClinVar (Variation ID: 1187774). This variant is found in the general population with an overall allele frequency of 0.05% (140/282506 alleles, including one homozygote) in the Genome Aggregation Database (v2.1.1). Computational analyses predict that this variant is neutral (REVEL: 0.034). Due to limited information, the clinical significance of this variant is uncertain at this time.

Ambry Genetics
Classification: Likely benign for Cardiovascular phenotype. Last evaluated: 2023-03-08. Review status: criteria provided, single submitter. Criteria: Ambry Variant Classification Scheme 2023. Collection method: clinical testing. Allele origin: germline.

GeneDx
Classification: Likely benign. Last evaluated: 2021-05-21. Review status: criteria provided, single submitter. Criteria: GeneDx Variant Classification Process June 2021. Collection method: clinical testing. Allele origin: germline. Affected: yes.

NM_001010874.5(TECRL):c.33A>T (p.Glu11Asp)

Gene: TECRL (trans-2,3-enoyl-CoA reductase like; minus strand). Cytogenetic location: 4q13.1.
Variant type: single nucleotide variant.
Coding change: c.33A>T on transcript NM_001010874.5 (MANE Select); coding-DNA position 33, A replaced by T.
Protein change: p.Glu11Asp; replaces glutamic acid 11 with aspartic acid.
Molecular consequence: missense variant.
Genome position (GRCh38, 1-based): chr4:64,409,319, T>A on the plus strand (A>T on the coding strand, the complement: TECRL is on the minus strand). VCF-style: chr4-64409319-T-A. GRCh37 (hg19) VCF-style: chr4-65275037-T-A.
Other names: c.33A>T, p.Glu11Asp (NM_001363796.1); short protein forms E11D.
Identifiers: ClinVar variation 1187774 (VCV001187774.9), dbSNP rs148442292, ClinGen allele CA2935713.